The following is an entry in ClinVar:

ClinVar aggregate classification (germline): Pathogenic (1 of 4 stars; one submission).

Conditions:
Neurofibromatosis, type 1 (NF1). Also called: VON RECKLINGHAUSEN DISEASE; Peripheral type neurofibromatosis; NEUROFIBROMATOSIS, TYPE I, SOMATIC; Neurofibromatosis, type I. Identifiers: Orphanet 636, MedGen C0027831, MONDO:0018975, OMIM 162200. Disease mechanism: loss of function.

Submission:

Labcorp Genetics (formerly Invitae), Labcorp
Classification: Pathogenic for Neurofibromatosis, type 1. Last evaluated: 2024-10-09. Review status: criteria provided, single submitter. Criteria: Invitae Variant Classification Sherloc (09022015). Collection method: clinical testing. Allele origin: germline.
Comment: This sequence change creates a premature translational stop signal (p.Tyr1659*) in the NF1 gene. It is expected to result in an absent or disrupted protein product. Loss-of-function variants in NF1 are known to be pathogenic (PMID: 10712197, 23913538). This variant is not present in population databases (gnomAD no frequency). This variant has not been reported in the literature in individuals affected with NF1-related conditions. ClinVar contains an entry for this variant (Variation ID: 1072455). For these reasons, this variant has been classified as Pathogenic.

Literature cited by the submitters: PubMed 10712197; PubMed 23913538.

NM_001042492.3(NF1):c.5040T>G (p.Tyr1680Ter)

Gene: NF1 (neurofibromin 1; plus strand). Cytogenetic location: 17q11.2.
Variant type: single nucleotide variant.
Coding change: c.5040T>G on transcript NM_001042492.3 (MANE Select); coding-DNA position 5040, T replaced by G.
Protein change: p.Tyr1680Ter; replaces tyrosine 1680 with a stop codon.
Molecular consequence: nonsense.
Genome position (GRCh38, 1-based): chr17:31,326,024, T>G. VCF-style: chr17-31326024-T-G. GRCh37 (hg19) VCF-style: chr17-29653042-T-G.
Other names: c.4977T>G, p.Tyr1659Ter (NM_000267.4); short protein forms Y1659*, Y1680*.
Identifiers: ClinVar variation 1072455 (VCV001072455.5), dbSNP rs1555533351, ClinGen allele CA399007374.